The following is an entry in ClinVar:

ClinVar aggregate classification (germline): Uncertain significance. Review status: criteria provided, multiple submitters, no conflicts (2 of 4 stars). 4 submissions from 4 submitters: Uncertain significance (4). Last evaluated 2025-12-21.

Conditions:
Arrhythmogenic right ventricular dysplasia 11. Also called: Arrhythmogenic Right Ventricular Dysplasia/Cardiomyopathy11; ARRHYTHMOGENIC RIGHT VENTRICULAR DYSPLASIA, FAMILIAL, 11; Arrhythmogenic right ventricular dysplasia 11 with mild palmoplantar keratoderma and woolly hair. Identifiers: MedGen C1864850, MONDO:0012506, OMIM 610476.
Cardiomyopathy (CMYO). Also called: Cardiomyopathies. Identifiers: Orphanet 167848, MedGen C0878544, MONDO:0004994, HP:0001638. Inheritance: Various modes of inheritance.
Cardiovascular phenotype. Identifiers: MedGen CN230736.

Allele frequency attached by ClinVar (database versions not stated): TOPMed below 0.00001; ExAC 0.00001; gnomAD exomes 0.00001.
gnomAD v4.1: 18 of 1,614,032 alleles (0.0011%); highest among the groups gnomAD compares: Non-Finnish European, 0.0014%; no homozygotes.

Submissions (4):

Labcorp Genetics (formerly Invitae), Labcorp
Classification: Uncertain significance for Arrhythmogenic right ventricular dysplasia 11. Last evaluated: 2025-12-21. Review status: criteria provided, single submitter. Criteria: Invitae Variant Classification Sherloc (09022015). Collection method: clinical testing. Allele origin: germline.
Comment: This sequence change replaces proline, which is neutral and non-polar, with threonine, which is neutral and polar, at codon 151 of the DSC2 protein (p.Pro151Thr). This variant is present in population databases (rs757329752, gnomAD 0.007%). This variant has not been reported in the literature in individuals affected with DSC2-related conditions. ClinVar contains an entry for this variant (Variation ID: 1741186). Invitae Evidence Modeling of protein sequence and biophysical properties (such as structural, functional, and spatial information, amino acid conservation, physicochemical variation, residue mobility, and thermodynamic stability) indicates that this missense variant is expected to disrupt DSC2 protein function with a positive predictive value of 80%. In summary, the available evidence is currently insufficient to determine the role of this variant in disease. Therefore, it has been classified as a Variant of Uncertain Significance.

Color Diagnostics, LLC DBA Color Health
Classification: Uncertain significance for Cardiomyopathy. Last evaluated: 2025-06-17. Review status: criteria provided, single submitter. Criteria: ACMG Guidelines, 2015. Collection method: clinical testing. Allele origin: germline.
Comment: This missense variant replaces proline with threonine at codon 151 of the DSC2 protein. Computational prediction suggests that this variant may not impact protein structure and function. To our knowledge, functional studies have not been reported for this variant. This variant has not been reported in individuals affected with DSC2-related disorders in the literature. This variant has been identified in 2/251310 chromosomes in the general population by the Genome Aggregation Database (gnomAD). The available evidence is insufficient to determine the role of this variant in disease conclusively. Therefore, this variant is classified as a Variant of Uncertain Significance.

GeneDx
Classification: Uncertain significance. Last evaluated: 2025-01-22. Review status: criteria provided, single submitter. Criteria: GeneDx Variant Classification Process June 2021. Collection method: clinical testing. Allele origin: germline. Affected: yes.
Comment: Not observed at significant frequency in large population cohorts (gnomAD); In silico analysis supports that this missense variant has a deleterious effect on protein structure/function; Has not been previously published as pathogenic or benign to our knowledge

Ambry Genetics
Classification: Uncertain significance for Cardiovascular phenotype. Last evaluated: 2021-11-22. Review status: criteria provided, single submitter. Criteria: Ambry Variant Classification Scheme 2023. Collection method: clinical testing. Allele origin: germline.
Comment: The p.P151T variant (also known as c.451C>A), located in coding exon 4 of the DSC2 gene, results from a C to A substitution at nucleotide position 451. The proline at codon 151 is replaced by threonine, an amino acid with highly similar properties. This amino acid position is conserved. In addition, the in silico prediction for this alteration is inconclusive. Since supporting evidence is limited at this time, the clinical significance of this alteration remains unclear.

NM_024422.6(DSC2):c.451C>A (p.Pro151Thr)

Gene: DSC2 (desmocollin 2; minus strand). Cytogenetic location: 18q12.1.
Variant type: single nucleotide variant.
Coding change: c.451C>A on transcript NM_024422.6 (MANE Select); coding-DNA position 451, C replaced by A.
Protein change: p.Pro151Thr; replaces proline 151 with threonine.
Molecular consequence: missense variant.
Genome position (GRCh38, 1-based): chr18:31,091,051, G>T on the plus strand (C>A on the coding strand, the complement: DSC2 is on the minus strand). VCF-style: chr18-31091051-G-T. GRCh37 (hg19) VCF-style: chr18-28671014-G-T.
Other names: c.22C>A, p.Pro8Thr (NM_001406506.1, NM_001406507.1); c.451C>A, p.Pro151Thr (NM_004949.5); short protein forms P151T, P8T.
Identifiers: ClinVar variation 1741186 (VCV001741186.4), dbSNP rs757329752, ClinGen allele CA038423.